The following is an entry in ClinVar:

NM_001927.4(DES):c.209G>C (p.Arg70Pro)

Gene: DES (desmin; plus strand). Cytogenetic location: 2q35.
Variant type: single nucleotide variant.
Coding change: c.209G>C on transcript NM_001927.4 (MANE Select); coding-DNA position 209, G replaced by C.
Protein change: p.Arg70Pro; replaces arginine 70 with proline.
Molecular consequence: missense variant.
Genome position (GRCh38, 1-based): chr2:219,418,671, G>C. VCF-style: chr2-219418671-G-C. GRCh37 (hg19) VCF-style: chr2-220283393-G-C.
Other names: c.209G>C (LRG_380t1); short protein forms R70P.
Identifiers: ClinVar variation 411149 (VCV000411149.11), dbSNP rs933438188, ClinGen allele CA16610610.

ClinVar aggregate classification (germline): Uncertain significance. Review status: criteria provided, multiple submitters, no conflicts (2 of 4 stars). 3 submissions from 3 submitters: Uncertain significance (3). Last evaluated 2024-07-16.

Conditions:
Cardiovascular phenotype. Identifiers: MedGen CN230736.
Desmin-related myofibrillar myopathy (MFM1). Also called: Desminopathy; Desmin related myopathy (former name); Desmin storage myopathy (former name); MYOFIBRILLAR MYOPATHY WITH ARRHYTHMOGENIC RIGHT VENTRICULAR CARDIOMYOPATHY; DESMIN-RELATED MYOPATHY WITH ARRHYTHMOGENIC RIGHT VENTRICULAR CARDIOMYOPATHY; Myofibrillar myopathy 1. Identifiers: Orphanet 363543, Orphanet 98909, MedGen C1832370, MONDO:0011076, OMIM 601419.

Allele frequency attached by ClinVar (database versions not stated): gnomAD 0.00001; TOPMed 0.00003.

Submissions (3):

Ambry Genetics
Classification: Uncertain significance for Cardiovascular phenotype. Last evaluated: 2024-07-16. Review status: criteria provided, single submitter. Criteria: Ambry Variant Classification Scheme 2023. Collection method: clinical testing. Allele origin: germline.

Labcorp Genetics (formerly Invitae), Labcorp
Classification: Uncertain significance for Desmin-related myofibrillar myopathy. Last evaluated: 2022-09-01. Review status: criteria provided, single submitter. Criteria: Invitae Variant Classification Sherloc (09022015). Collection method: clinical testing. Allele origin: germline.
Comment: This sequence change replaces arginine, which is basic and polar, with proline, which is neutral and non-polar, at codon 70 of the DES protein (p.Arg70Pro). This variant is present in population databases (no rsID available, gnomAD 0.004%). This variant has not been reported in the literature in individuals affected with DES-related conditions. ClinVar contains an entry for this variant (Variation ID: 411149). Algorithms developed to predict the effect of missense changes on protein structure and function are either unavailable or do not agree on the potential impact of this missense change (SIFT: "Deleterious"; PolyPhen-2: "Benign"; Align-GVGD: "Class C0"). In summary, the available evidence is currently insufficient to determine the role of this variant in disease. Therefore, it has been classified as a Variant of Uncertain Significance.

New York Genome Center
Classification: Uncertain significance for Desmin-related myofibrillar myopathy. Last evaluated: 2021-04-12. Review status: criteria provided, single submitter. Criteria: NYGC Assertion Criteria 2020. Collection method: clinical testing. Allele origin: germline. Observed: 1 heterozygote. Study: CSER-NYCKidSeq.